The following is an entry in ClinVar:

NM_014336.5(AIPL1):c.276+2T>C

Gene: AIPL1 (AIP like 1 HSP90 co-chaperone; minus strand). Cytogenetic location: 17p13.2.
Variant type: single nucleotide variant.
Coding change: c.276+2T>C on transcript NM_014336.5 (MANE Select); the canonical splice donor site of the intron after coding-DNA position 276, T replaced by C.
Molecular consequence: splice donor variant. On other transcripts: intron variant (1).
Genome position (GRCh38, 1-based): chr17:6,433,917, A>G on the plus strand (T>C on the coding strand, the complement: AIPL1 is on the minus strand). VCF-style: chr17-6433917-A-G. GRCh37 (hg19) VCF-style: chr17-6337237-A-G.
Other names: NM_001285403.4:c.276+2T>C; c.96+1092T>C (NM_001033055.3); c.210+2T>C (NM_001285400.3); c.240+2T>C (NM_001285399.3); c.276+2T>C (NM_001033054.3, NM_001285401.3, NM_001285403.4); c.159+2T>C (NM_001285402.2).
Identifiers: ClinVar variation 4879895 (VCV004879895.1).

ClinVar aggregate classification (germline): Pathogenic (3 of 4 stars; one submission).

Conditions:
AIPL1-related retinopathy. Also called: AIPL1 retinopathy. Identifiers: MedGen CN305590, MONDO:0100438.

gnomAD v4.1: 1 of 1,598,302 alleles (0.000063%); highest among the groups gnomAD compares: East Asian, 0.0022%; no homozygotes.

Submission:

ClinGen Leber Congenital Amaurosis/early Onset Retinal Dystrophy Variant Curation Expert Panel, ClinGen
Classification: Pathogenic for AIPL1-related retinopathy. Last evaluated: 2026-07-31. Review status: reviewed by expert panel. Criteria: ClinGen LCAeoRD ACMG Specifications AIPL1 V1.0.0. Collection method: curation. Allele origin: germline. Inheritance: Autosomal recessive inheritance.
Comment: The NM_014336.5(AIPL1):c.276+2T>C variant disrupts a canonical splice site in intron 2 and is predicted to lead to skipping of a critical exon. Minigene assays (PMID: 26650897) confirm that no wildtype RNA is produced (PVS1(RNA)). This variant is present in gnomAD v.4.1.0 at a total allele frequency of 6.257e-7, with 1 allele / 1598302 total alleles, which is lower than the ClinGen LCA/eoRD VCEP PM2_Supporting threshold of <0.0004 (PM2_Supporting). This variant is predicted to have the same splicing impact as c.276+1G>A, a splice variant within the same donor/acceptor motif, previously classified as Pathogenic by the LCA/eoRD VCEP. (PS1_Supporting). This variant has been reported in at least 1 proband with early-onset severe retinal dystrophy who harbored the variant in the compound heterozygous state with p.Arg32Ter, not yet classified (PMID: 25596619). However, the proband was not counted for this criterion to avoid circularity. (VCEP specifications version 1.0.0)